The following is an entry in ClinVar:

ClinVar aggregate classification (germline): Uncertain significance (1 of 4 stars; one submission).

Allele frequency attached by ClinVar (database versions not stated): TOPMed below 0.00001.

Submission:

Labcorp Genetics (formerly Invitae), Labcorp
Classification: Uncertain significance. Last evaluated: 2022-03-14. Review status: criteria provided, single submitter. Criteria: Invitae Variant Classification Sherloc (09022015). Collection method: clinical testing. Allele origin: germline.
Comment: This variant has not been reported in the literature in individuals affected with PCLO-related conditions. This variant is not present in population databases (gnomAD no frequency). This sequence change replaces threonine, which is neutral and polar, with alanine, which is neutral and non-polar, at codon 2338 of the PCLO protein (p.Thr2338Ala). Algorithms developed to predict the effect of missense changes on protein structure and function output the following: SIFT: "Tolerated"; PolyPhen-2: "Not Available"; Align-GVGD: "Class C0". The alanine amino acid residue is found in multiple mammalian species, which suggests that this missense change does not adversely affect protein function. In summary, the available evidence is currently insufficient to determine the role of this variant in disease. Therefore, it has been classified as a Variant of Uncertain Significance.

NM_033026.6(PCLO):c.7012A>G (p.Thr2338Ala)

Gene: PCLO (piccolo presynaptic cytomatrix protein; minus strand). Cytogenetic location: 7q21.11.
Variant type: single nucleotide variant.
Coding change: c.7012A>G on transcript NM_033026.6 (MANE Select); coding-DNA position 7012, A replaced by G.
Protein change: p.Thr2338Ala; replaces threonine 2338 with alanine.
Molecular consequence: missense variant.
Genome position (GRCh38, 1-based): chr7:82,953,941, T>C on the plus strand (A>G on the coding strand, the complement: PCLO is on the minus strand). VCF-style: chr7-82953941-T-C. GRCh37 (hg19) VCF-style: chr7-82583257-T-C.
Other names: c.7012A>G, p.Thr2338Ala (NM_014510.3); short protein forms T2338A.
Identifiers: ClinVar variation 1394754 (VCV001394754.6), dbSNP rs1584211846, ClinGen allele CA367917876.